The following is an entry in ClinVar:

NM_000368.5(TSC1):c.1078A>G (p.Thr360Ala)

Gene: TSC1 (TSC complex subunit 1; minus strand). Cytogenetic location: 9q34.13.
Variant type: single nucleotide variant.
Coding change: c.1078A>G on transcript NM_000368.5 (MANE Select); coding-DNA position 1078, A replaced by G.
Protein change: p.Thr360Ala; replaces threonine 360 with alanine.
Molecular consequence: missense variant.
Genome position (GRCh38, 1-based): chr9:132,911,065, T>C on the plus strand (A>G on the coding strand, the complement: TSC1 is on the minus strand). VCF-style: chr9-132911065-T-C. GRCh37 (hg19) VCF-style: chr9-135786452-T-C.
Other names: c.1078A>G, p.Thr360Ala (NM_001162426.2); c.925A>G, p.Thr309Ala (NM_001162427.2); c.715A>G, p.Thr239Ala (NM_001362177.2); short protein forms T360A, T309A, T239A.
Identifiers: ClinVar variation 534446 (VCV000534446.26), dbSNP rs201738258, ClinGen allele CA026993.

ClinVar aggregate classification (germline): Conflicting classifications of pathogenicity. Review status: criteria provided, conflicting classifications (1 of 4 stars). 7 submissions from 7 submitters: Uncertain significance (3); Benign (1); Likely benign (3). Last evaluated 2026-01-18.

Conditions:
Hereditary cancer-predisposing syndrome. Also called: Hereditary Cancer Syndrome; Tumor predisposition; Neoplastic Syndromes, Hereditary; Hereditary neoplastic syndrome. Identifiers: Orphanet 140162, MedGen C0027672, MeSH D009386, MONDO:0015356.
Tuberous sclerosis 1 (TSC1). Identifiers: Orphanet 805, MedGen C1854465, MONDO:0008612, OMIM 191100.
Tuberous sclerosis syndrome (TSC). Also called: Tuberous Sclerosis Complex; Tuberous sclerosis. Identifiers: Orphanet 805, MedGen C0041341, MONDO:0001734.

Allele frequency attached by ClinVar (database versions not stated): ExAC 0.00001; gnomAD exomes 0.00001; 1000 Genomes Project 30x 0.00016; 1000 Genomes Project 0.00020.
gnomAD v4.1: 23 of 1,614,148 alleles (0.0014%); highest among the groups gnomAD compares: East Asian, 0.0022%; no homozygotes.

Submissions (7):

Labcorp Genetics (formerly Invitae), Labcorp
Classification: Likely benign for Tuberous sclerosis 1. Last evaluated: 2026-01-18. Review status: criteria provided, single submitter. Criteria: Invitae Variant Classification Sherloc (09022015). Collection method: clinical testing. Allele origin: germline.

CeGaT Center for Human Genetics Tuebingen
Classification: Uncertain significance. Last evaluated: 2025-10-01. Review status: criteria provided, single submitter. Criteria: CeGaT Center For Human Genetics Tuebingen Variant Classification Criteria Version 2. Collection method: clinical testing. Allele origin: germline. Affected: yes. Observed: 1 variant allele.
Comment: TSC1: PP2

Color Diagnostics, LLC DBA Color Health
Classification: Uncertain significance for Tuberous sclerosis syndrome. Last evaluated: 2025-09-01. Review status: criteria provided, single submitter. Criteria: ACMG Guidelines, 2015. Collection method: clinical testing. Allele origin: germline.
Comment: This missense variant replaces threonine with alanine at codon 360 of the TSC1 protein. Computational prediction suggests that this variant may not impact protein structure and function. To our knowledge, functional studies have not been reported for this variant. This variant has not been reported in individuals affected with TSC1-related disorders in the literature. This variant has been identified in 2/251336 chromosomes in the general population by the Genome Aggregation Database (gnomAD). The available evidence is insufficient to determine the role of this variant in disease conclusively. Therefore, this variant is classified as a Variant of Uncertain Significance.

Ambry Genetics
Classification: Likely benign for Hereditary cancer-predisposing syndrome. Last evaluated: 2024-01-10. Review status: criteria provided, single submitter. Criteria: Ambry Variant Classification Scheme 2023. Collection method: clinical testing. Allele origin: germline.

Department of Pathology and Laboratory Medicine, Sinai Health System
Classification: Uncertain significance for Tuberous sclerosis 1. Last evaluated: 2021-12-14. Review status: criteria provided, single submitter. Criteria: ACMG Guidelines, 2015. Collection method: clinical testing. Allele origin: germline. Affected: yes.

Genome-Nilou Lab
Classification: Benign for Tuberous sclerosis 1. Last evaluated: 2021-11-07. Review status: criteria provided, single submitter. Criteria: ACMG Guidelines, 2015. Collection method: clinical testing. Allele origin: germline. Affected: no.

GeneDx
Classification: Likely benign. Last evaluated: 2021-05-05. Review status: criteria provided, single submitter. Criteria: GeneDx Variant Classification Process June 2021. Collection method: clinical testing. Allele origin: germline. Affected: yes.